The following is an entry in ClinVar:

ClinVar aggregate classification (germline): Uncertain significance (1 of 4 stars; one submission).

Conditions:
Thrombophilia due to protein C deficiency, autosomal dominant. Also called: PROC DEFICIENCY, AUTOSOMAL DOMINANT; PROTEIN C DEFICIENCY, AUTOSOMAL DOMINANT. Identifiers: Orphanet 745, MedGen C2674321, MONDO:0008316, OMIM 176860. Disease mechanism: loss of function.

Allele frequency attached by ClinVar (database versions not stated): gnomAD exomes below 0.00001 and 0.00001; TOPMed below 0.00001; ExAC 0.00001; gnomAD 0.00002 and 0.00003.
gnomAD v4.1: 10 of 1,614,080 alleles (0.00062%); highest among the groups gnomAD compares: African/African-American, 0.0027%; no homozygotes.

Submission:

Labcorp Genetics (formerly Invitae), Labcorp
Classification: Uncertain significance for Thrombophilia due to protein C deficiency, autosomal dominant. Last evaluated: 2025-11-19. Review status: criteria provided, single submitter. Criteria: Invitae Variant Classification Sherloc (09022015). Collection method: clinical testing. Allele origin: germline.
Comment: This sequence change replaces arginine, which is basic and polar, with cysteine, which is neutral and slightly polar, at codon 356 of the PROC protein (p.Arg356Cys). This variant is present in population databases (rs776173921, gnomAD 0.004%). This missense change has been observed in individual(s) with protein C deficiency (PMID: 32717757). ClinVar contains an entry for this variant (Variation ID: 1446701). Invitae Evidence Modeling of protein sequence and biophysical properties (such as structural, functional, and spatial information, amino acid conservation, physicochemical variation, residue mobility, and thermodynamic stability) indicates that this missense variant is expected to disrupt PROC protein function with a positive predictive value of 80%. In summary, the available evidence is currently insufficient to determine the role of this variant in disease. Therefore, it has been classified as a Variant of Uncertain Significance.

Literature cited by the submitters: PubMed 32717757.

NM_000312.4(PROC):c.1066C>T (p.Arg356Cys)

Gene: PROC (protein C, inactivator of coagulation factors Va and VIIIa; plus strand). Cytogenetic location: 2q14.3.
Variant type: single nucleotide variant.
Coding change: c.1066C>T on transcript NM_000312.4 (MANE Select); coding-DNA position 1066, C replaced by T.
Protein change: p.Arg356Cys; replaces arginine 356 with cysteine.
Molecular consequence: missense variant.
Genome position (GRCh38, 1-based): chr2:127,428,626, C>T. VCF-style: chr2-127428626-C-T. GRCh37 (hg19) VCF-style: chr2-128186202-C-T.
Other names: c.1249C>T, p.Arg417Cys (NM_001375602.1); c.1231C>T, p.Arg411Cys (NM_001375603.1); c.1129C>T, p.Arg377Cys (NM_001375604.1); c.1168C>T, p.Arg390Cys (NM_001375605.1); c.1234C>T, p.Arg412Cys (NM_001375606.1); c.1252C>T, p.Arg418Cys (NM_001375607.1); c.1009C>T, p.Arg337Cys (NM_001375608.1); c.1042C>T, p.Arg348Cys (NM_001375609.1); and 2 more; short protein forms R356C, R417C, R411C, R348C, R354C, R337C, R377C, R390C.
Identifiers: ClinVar variation 1446701 (VCV001446701.8), dbSNP rs776173921, ClinGen allele CA1859515.